The following is an entry in ClinVar:

NM_020461.4(TUBGCP6):c.2415G>A (p.Met805Ile)

Gene: TUBGCP6 (tubulin gamma complex component 6; minus strand). Cytogenetic location: 22q13.33.
Variant type: single nucleotide variant.
Coding change: c.2415G>A on transcript NM_020461.4 (MANE Select); coding-DNA position 2415, G replaced by A.
Protein change: p.Met805Ile; replaces methionine 805 with isoleucine.
Molecular consequence: missense variant.
Genome position (GRCh38, 1-based): chr22:50,222,097, C>T on the plus strand (G>A on the coding strand, the complement: TUBGCP6 is on the minus strand). VCF-style: chr22-50222097-C-T. GRCh37 (hg19) VCF-style: chr22-50660526-C-T.
Other names: short protein forms M805I.
Identifiers: ClinVar variation 1998632 (VCV001998632.4), dbSNP rs2519140418, ClinGen allele CA412099020.
Genomic context (GRCh38, chr22:50,222,097, plus strand): 5'-CACGCTCAAGAGGACGTCTGGCGGCTCCTGGGGCTGGTGAGCCTCAGACACTGCTTTCAG[C>T]ATCTCCTGAAATTCAAGCCAGAGGGGTGACTGGCCAAGCCGGAGTCAAGCACAGCCCTAC-3'
Protein context (NP_065194.3, residues 795-815): LLEDEKHIQE[Met805Ile]LKAVSEAHQP

ClinVar aggregate classification (germline): Uncertain significance (1 of 4 stars; one submission).

Allele frequency attached by ClinVar (database versions not stated): gnomAD exomes below 0.00001.
gnomAD v4.1: 1 of 1,613,612 alleles (0.000062%); highest among the groups gnomAD compares: Non-Finnish European, 0.000085%; no homozygotes.

Submission:

Labcorp Genetics (formerly Invitae), Labcorp
Classification: Uncertain significance. Last evaluated: 2022-06-14. Review status: criteria provided, single submitter. Criteria: Invitae Variant Classification Sherloc (09022015). Collection method: clinical testing. Allele origin: germline.
Comment: This sequence change replaces methionine, which is neutral and non-polar, with isoleucine, which is neutral and non-polar, at codon 805 of the TUBGCP6 protein (p.Met805Ile). This variant is not present in population databases (gnomAD no frequency). In summary, the available evidence is currently insufficient to determine the role of this variant in disease. Therefore, it has been classified as a Variant of Uncertain Significance. Algorithms developed to predict the effect of missense changes on protein structure and function (SIFT, PolyPhen-2, Align-GVGD) all suggest that this variant is likely to be tolerated. This variant has not been reported in the literature in individuals affected with TUBGCP6-related conditions.